The following is an entry in ClinVar:

ClinVar aggregate classification (germline): Likely benign. Review status: criteria provided, single submitter (1 of 4 stars). 2 submissions from 2 submitters: Likely benign (1). 1 of the submissions does not count toward it. Last evaluated 2022-03-01.

Conditions:
PFKL-related disorder. Also called: PFKL-related condition.

Allele frequency attached by ClinVar (database versions not stated): 1000 Genomes Project 30x 0.00047; 1000 Genomes Project 0.00060; TOPMed 0.00131; ESP Exome Variant Server 0.00146; gnomAD 0.00243.
gnomAD v4.1: 2,851 of 1,597,026 alleles (0.18%); highest among the groups gnomAD compares: Non-Finnish European, 0.2%; 15 homozygotes.

Submissions (2):

CeGaT Center for Human Genetics Tuebingen
Classification: Likely benign. Last evaluated: 2022-03-01. Review status: criteria provided, single submitter. Criteria: CeGaT Center For Human Genetics Tuebingen Variant Classification Criteria Version 2. Collection method: clinical testing. Allele origin: germline. Affected: yes. Observed: 1 variant allele.
Comment: PFKL: BP4, BP7

PreventionGenetics, part of Exact Sciences
Classification: Likely benign for PFKL-related condition. Last evaluated: 2022-10-12. Review status: no assertion criteria provided. Collection method: clinical testing. Allele origin: germline. Not counted in ClinVar's aggregate classification.
Comment: This variant is classified as likely benign based on ACMG/AMP sequence variant interpretation guidelines (Richards et al. 2015 PMID: 25741868, with internal and published modifications).

NM_002626.6(PFKL):c.924C>T (p.Phe308=)

Gene: PFKL (phosphofructokinase, liver type; plus strand). Cytogenetic location: 21q22.3.
Variant type: single nucleotide variant.
Coding change: c.924C>T on transcript NM_002626.6 (MANE Select); coding-DNA position 924, C replaced by T.
Protein change: p.Phe308=; no amino-acid change (phenylalanine 308 retained).
Molecular consequence: synonymous variant.
Genome position (GRCh38, 1-based): chr21:44,316,512, C>T. VCF-style: chr21-44316512-C-T. GRCh37 (hg19) VCF-style: chr21-45736395-C-T.
Other names: c.1074C>T (NM_001002021.2); c.1074C>T, p.Phe358= (NM_001002021.3).
Identifiers: ClinVar variation 2652742 (VCV002652742.25), dbSNP rs139920536, ClinGen allele CA10052754.